The following is an entry in ClinVar:

NM_001868.4(CPA1):c.358G>T (p.Ala120Ser)

Gene: CPA1 (carboxypeptidase A1; plus strand). Cytogenetic location: 7q32.2.
Variant type: single nucleotide variant.
Coding change: c.358G>T on transcript NM_001868.4 (MANE Select); coding-DNA position 358, G replaced by T.
Protein change: p.Ala120Ser; replaces alanine 120 with serine.
Molecular consequence: missense variant.
Genome position (GRCh38, 1-based): chr7:130,381,840, G>T. VCF-style: chr7-130381840-G-T. GRCh37 (hg19) VCF-style: chr7-130021681-G-T.
Other names: short protein forms A120S.
Identifiers: ClinVar variation 4559489 (VCV004559489.1).

ClinVar aggregate classification (germline): Uncertain significance (1 of 4 stars; one submission).

Conditions:
Hereditary pancreatitis (PCTT). Also called: Hereditary chronic pancreatitis; PRSS1-Related Hereditary Pancreatitis. Identifiers: Orphanet 676, MedGen C0238339, MONDO:0008185, OMIM 167800.

Submission:

Ambry Genetics
Classification: Uncertain significance for Hereditary pancreatitis. Last evaluated: 2025-09-26. Review status: criteria provided, single submitter. Criteria: Ambry Variant Classification Scheme 2023. Collection method: clinical testing. Allele origin: germline.
Comment: The p.A120S variant (also known as c.358G>T), located in coding exon 3 of the CPA1 gene, results from a G to T substitution at nucleotide position 358. The alanine at codon 120 is replaced by serine, an amino acid with similar properties. This amino acid position is conserved. In addition, this alteration is predicted to be tolerated by in silico analysis. Based on the available evidence, the clinical significance of this variant remains unclear.